The following is an entry in ClinVar:

NM_000166.6(GJB1):c.37G>A (p.Val13Met)

Gene: GJB1 (gap junction protein beta 1; plus strand). Cytogenetic location: Xq13.1.
Variant type: single nucleotide variant.
Coding change: c.37G>A on transcript NM_000166.6 (MANE Select); coding-DNA position 37, G replaced by A.
Protein change: p.Val13Met; replaces valine 13 with methionine.
Molecular consequence: missense variant.
Genome position (GRCh38, 1-based): chrX:71,223,744, G>A. VCF-style: chrX-71223744-G-A. GRCh37 (hg19) VCF-style: chrX-70443594-G-A.
Other names: p.Val13Met; c.37G>A, p.Val13Met (NM_001097642.3); short protein forms V13M.
Identifiers: ClinVar variation 637129 (VCV000637129.20), dbSNP rs104894820, ClinGen allele CA10445274.

ClinVar aggregate classification (germline): Conflicting classifications of pathogenicity. Review status: criteria provided, conflicting classifications (1 of 4 stars). 6 submissions from 5 submitters: Pathogenic (1); Uncertain significance (2); Likely benign (1). 2 of the submissions do not count toward it. Last evaluated 2025-12-15.

Conditions:
Inborn genetic diseases. Identifiers: MedGen C0950123, MeSH D030342.
Charcot-Marie-Tooth disease. Also called: Charcot-Marie-Tooth Hereditary Neuropathy; Charcot-Marie-Tooth Neuropathy. Identifiers: Orphanet 166, MedGen C0007959, MONDO:0015626.
Charcot-Marie-Tooth disease X-linked dominant 1. Also called: GJB1 Disorders: Charcot-Marie-Tooth Neuropathy (CMT1X) and Central Nervous System Phenotypes; CHARCOT-MARIE-TOOTH NEUROPATHY, X-LINKED, 1; CHARCOT-MARIE-TOOTH PERONEAL MUSCULAR ATROPHY, X-LINKED; HEREDITARY MOTOR AND SENSORY NEUROPATHY, X-LINKED; HMSN, X-LINKED; Charcot-Marie-Tooth Neuropathy X Type 1. Identifiers: Orphanet 101075, MedGen C0393808, MONDO:0010549, OMIM 302800.
Charcot-Marie-Tooth Neuropathy X. Identifiers: MedGen CN118851.

Allele frequency attached by ClinVar (database versions not stated): gnomAD 0.00005 and 0.00006; gnomAD exomes 0.00002 and 0.00006; ExAC 0.00002; TOPMed 0.00012.
gnomAD v4.1: 24 of 1,208,459 alleles (0.002%); highest among the groups gnomAD compares: Admixed American, 0.028%; no homozygotes.

Submissions (6):

Labcorp Genetics (formerly Invitae), Labcorp
Classification: Likely benign for Charcot-Marie-Tooth Neuropathy X. Last evaluated: 2025-12-15. Review status: criteria provided, single submitter. Criteria: Invitae Variant Classification Sherloc (09022015). Collection method: clinical testing. Allele origin: germline.

Mayo Clinic Laboratories, Mayo Clinic
Classification: Uncertain significance. Last evaluated: 2025-09-30. Review status: criteria provided, single submitter. Criteria: ACMG Guidelines, 2015. Collection method: clinical testing. Allele origin: germline. Observed: 1 variant allele.
Comment: BS2, BS4, PP3_strong, PS4_moderate

Mendelics
Classification: Pathogenic for Charcot-Marie-Tooth disease X-linked dominant 1. Last evaluated: 2022-05-04. Review status: criteria provided, single submitter. Criteria: Mendelics Assertion Criteria 2019. Collection method: clinical testing. Allele origin: germline.

Ambry Genetics
Classification: Uncertain significance for Inborn genetic diseases. Last evaluated: 2020-10-29. Review status: criteria provided, single submitter. Criteria: Ambry Variant Classification Scheme 2023. Collection method: clinical testing. Allele origin: germline.
Comment: The p.V13M variant (also known as c.37G>A), located in coding exon 1 of the GJB1 gene, results from a G to A substitution at nucleotide position 37. The valine at codon 13 is replaced by methionine, an amino acid with highly similar properties. This alteration has been detected in a small number of individuals who are described as carrying a diagnosis of Charcot-Marie-Tooth neuropathy (Bone LJ et al. Neurobiol Dis, 1997;4:221-30; Liu L et al. Clin Genet, 2017 Jun;91:881-891; Panosyan FB et al. Neurology, 2017 Aug;89:927-935). Based on data from gnomAD, the A allele has an overall frequency of 0.006% (11/182,766) total alleles studied, with 2 hemizygotes observed. The highest observed frequency was 0.033% (9/27,415) of Latino alleles. This amino acid position is highly conserved in available vertebrate species. In addition, this alteration is predicted to be deleterious by in silico analysis. Since supporting evidence is limited at this time, the clinical significance of this alteration remains unclear.

Inherited Neuropathy Consortium
Classification: Likely benign. Review status: no assertion criteria provided. Collection method: provider interpretation. Allele origin: inherited. Affected: yes. Not counted in ClinVar's aggregate classification.

Inherited Neuropathy Consortium
Classification: Uncertain significance for Charcot-Marie-Tooth disease. Review status: flagged submission. Collection method: literature only. Allele origin: germline. Affected: yes. Not counted in ClinVar's aggregate classification.
ClinVar note: Reason: This record appears to be redundant with a more recent record from the same submitter.
ClinVar note: Notes: SCV000928524 appears to be redundant with SCV001190064.

Literature cited by the submitters: PubMed 28768847 (cited by Mayo Clinic Laboratories, Mayo Clinic and Ambry Genetics); PubMed 30216910 (cited by Mayo Clinic Laboratories, Mayo Clinic); PubMed 32376792 (cited by Mayo Clinic Laboratories, Mayo Clinic); PubMed 34255403 (cited by Mayo Clinic Laboratories, Mayo Clinic); PubMed 37284795 (cited by Mayo Clinic Laboratories, Mayo Clinic); PubMed 38162165 (cited by Mayo Clinic Laboratories, Mayo Clinic); PubMed 39569692 (cited by Mayo Clinic Laboratories, Mayo Clinic); PubMed 9361298 (cited by 3 submitters); PubMed 27804109 (cited by Ambry Genetics).